The following is an entry in ClinVar:

ClinVar aggregate classification (germline): Uncertain significance (1 of 4 stars; one submission).

gnomAD v4.1: 4 of 1,610,148 alleles (0.00025%); highest among the groups gnomAD compares: Non-Finnish European, 0.00034%; no homozygotes.

Submission:

Labcorp Genetics (formerly Invitae), Labcorp
Classification: Uncertain significance. Last evaluated: 2023-07-03. Review status: criteria provided, single submitter. Criteria: Invitae Variant Classification Sherloc (09022015). Collection method: clinical testing. Allele origin: germline.
Comment: In summary, the available evidence is currently insufficient to determine the role of this variant in disease. Therefore, it has been classified as a Variant of Uncertain Significance. Advanced modeling of protein sequence and biophysical properties (such as structural, functional, and spatial information, amino acid conservation, physicochemical variation, residue mobility, and thermodynamic stability) performed at Invitae indicates that this missense variant is not expected to disrupt LRP2 protein function. ClinVar contains an entry for this variant (Variation ID: 1990448). This variant has not been reported in the literature in individuals affected with LRP2-related conditions. This variant is not present in population databases (gnomAD no frequency). This sequence change replaces glutamine, which is neutral and polar, with histidine, which is basic and polar, at codon 1745 of the LRP2 protein (p.Gln1745His).

NM_004525.3(LRP2):c.5235A>T (p.Gln1745His)

Gene: LRP2 (LDL receptor related protein 2; minus strand). Cytogenetic location: 2q31.1.
Variant type: single nucleotide variant.
Coding change: c.5235A>T on transcript NM_004525.3 (MANE Select); coding-DNA position 5235, A replaced by T.
Protein change: p.Gln1745His; replaces glutamine 1745 with histidine.
Molecular consequence: missense variant.
Genome position (GRCh38, 1-based): chr2:169,226,581, T>A on the plus strand (A>T on the coding strand, the complement: LRP2 is on the minus strand). VCF-style: chr2-169226581-T-A. GRCh37 (hg19) VCF-style: chr2-170083091-T-A.
Other names: short protein forms Q1745H.
Identifiers: ClinVar variation 1990448 (VCV001990448.4), dbSNP rs2545853418, ClinGen allele CA349139716.
Genomic context (GRCh38, chr2:169,226,581, plus strand): 5'-CACCTCAGGATTAAGGGAGATTCCAAAAATTATATGTTGCCTTACAGTTATTAAGAAAGG[T>A]TGATCATCTGTGAAAATAGAAGAATATCAGTCAAAATCATATCCCACTATTCCCAGACAT-3'
Protein context (NP_004516.2, residues 1735-1755): PDLLNCLRDD[Gln1745His]PFLITVRQHI